The following is an entry in ClinVar:

ClinVar aggregate classification (germline): Benign/Likely benign. Review status: criteria provided, multiple submitters, no conflicts (2 of 4 stars). 3 submissions from 3 submitters: Benign (1); Likely benign (1). 1 of the submissions does not count toward it. Last evaluated 2025-12-23.

Conditions:
ABCC2-related disorder. Also called: ABCC2-related condition.
Dubin-Johnson syndrome (DJS). Also called: HYPERBILIRUBINEMIA, DUBIN-JOHNSON TYPE; Jaundice, Chronic Idiopathic; Hyperbilirubinemia type 2. Identifiers: Orphanet 234, MedGen C0022350, MONDO:0009380, OMIM 237500.

Allele frequency attached by ClinVar (database versions not stated): gnomAD exomes 0.00021 and 0.00086; gnomAD 0.00024 and 0.00033; TOPMed 0.00049; ExAC 0.00080; 1000 Genomes Project 30x 0.00172; 1000 Genomes Project 0.00180.
gnomAD v4.1: 365 of 1,614,168 alleles (0.023%); highest among the groups gnomAD compares: East Asian, 0.73%; 4 homozygotes.

Submissions (4):

Labcorp Genetics (formerly Invitae), Labcorp
Classification: Benign. Last evaluated: 2025-12-23. Review status: criteria provided, single submitter. Criteria: Invitae Variant Classification Sherloc (09022015). Collection method: clinical testing. Allele origin: germline.

Illumina Laboratory Services, Illumina
Classification: Likely benign for Dubin-Johnson syndrome. Last evaluated: 2018-01-12. Review status: criteria provided, single submitter. Criteria: ICSL Variant Classification Criteria 13 December 2019. Collection method: clinical testing. Allele origin: germline.
Comment: This variant was observed in the ICSL laboratory as part of a predisposition screen in an ostensibly healthy population. It had not been previously curated by ICSL or reported in the Human Gene Mutation Database (HGMD: prior to June 1st, 2018), and was therefore a candidate for classification through an automated scoring system. Utilizing variant allele frequency, disease prevalence and penetrance estimates, and inheritance mode, an automated score was calculated to assess if this variant is too frequent to cause the disease. Based on the score and internal cut-off values, a variant classified as likely benign is not then subjected to further curation. The score for this variant resulted in a classification of likely benign for this disease.

PreventionGenetics, part of Exact Sciences
Classification: Benign for ABCC2-related condition. Last evaluated: 2019-10-28. Review status: no assertion criteria provided. Collection method: clinical testing. Allele origin: germline. Not counted in ClinVar's aggregate classification.
Comment: This variant is classified as benign based on ACMG/AMP sequence variant interpretation guidelines (Richards et al. 2015 PMID: 25741868, with internal and published modifications).

Dr. Peter K. Rogan Lab, Western University
No classification provided (evidence only). Condition: Hepatocellular carcinoma. Review status: no classification provided. Collection method: in vitro. Allele origin: not applicable. Functional consequence: retained intron. Not counted in ClinVar's aggregate classification.

NM_000392.5(ABCC2):c.2747+5G>A

Genes: ABCC2 (ATP binding cassette subfamily C member 2; plus strand), LOC126861012 (BRD4-independent group 4 enhancer GRCh37_chr10:101589748-101590947; plus strand). Cytogenetic location: 10q24.2.
Variant type: single nucleotide variant.
Coding change: c.2747+5G>A on transcript NM_000392.5 (MANE Select); 5 bases into the intron after coding-DNA position 2747, G replaced by A.
Molecular consequence: intron variant.
Genome position (GRCh38, 1-based): chr10:99,830,438, G>A. VCF-style: chr10-99830438-G-A. GRCh37 (hg19) VCF-style: chr10-101590195-G-A.
Other names: c.2747+5G>A (LRG_1208t1, NM_000392.4).
Identifiers: ClinVar variation 298459 (VCV000298459.11), dbSNP rs138988852, ClinGen allele CA5643574.
Genomic context (GRCh38, chr10:99,830,438, plus strand): 5'-GCAGCCTCCATAACCATGAGAAGAGAGAACAGCTTTCGTCGAACACTTAGCCGCAGGTTG[G>A]CTATCTATTCAGCTGGCAGCCCTCGTCAGCTCTATATTTCCACTTGATCTTTTTCTTTTT-3'